The following is an entry in ClinVar:

NM_000090.4(COL3A1):c.150C>A (p.Cys50Ter)

Gene: COL3A1 (collagen type III alpha 1 chain; plus strand). Cytogenetic location: 2q32.2.
Variant type: single nucleotide variant.
Coding change: c.150C>A on transcript NM_000090.4 (MANE Select); coding-DNA position 150, C replaced by A.
Protein change: p.Cys50Ter; replaces cysteine 50 with a stop codon.
Molecular consequence: nonsense.
Genome position (GRCh38, 1-based): chr2:188,984,830, C>A. VCF-style: chr2-188984830-C-A. GRCh37 (hg19) VCF-style: chr2-189849556-C-A.
Other names: short protein forms C50*.
Identifiers: ClinVar variation 2104015 (VCV002104015.4), dbSNP rs559102186, ClinGen allele CA349847006.

ClinVar aggregate classification (germline): Pathogenic (1 of 4 stars; one submission).

Conditions:
Ehlers-Danlos syndrome, type 4 (EDSVASC). Also called: Ehlers-Danlos syndrome vascular type; Ehlers Danlos syndrome, ecchymotic type; Ehlers Danlos syndrome, arterial type; Ehlers Danlos syndrome, Sack-Barabas type; Ehlers-Danlos Syndrome Type IV. Identifiers: Orphanet 286, MedGen C0268338, MONDO:0017314, OMIM 130050.

gnomAD v4.1: 1 of 1,613,166 alleles (0.000062%); highest among the groups gnomAD compares: Non-Finnish European, 0.000085%; no homozygotes.

Submission:

Labcorp Genetics (formerly Invitae), Labcorp
Classification: Pathogenic for Ehlers-Danlos syndrome, type 4. Last evaluated: 2024-09-02. Review status: criteria provided, single submitter. Criteria: Invitae Variant Classification Sherloc (09022015). Collection method: clinical testing. Allele origin: germline.
Comment: This sequence change creates a premature translational stop signal (p.Cys50*) in the COL3A1 gene. It is expected to result in an absent or disrupted protein product. Loss-of-function variants in COL3A1 are known to be pathogenic (PMID: 24922459). This variant is not present in population databases (gnomAD no frequency). This variant has not been reported in the literature in individuals affected with COL3A1-related conditions. ClinVar contains an entry for this variant (Variation ID: 2104015). For these reasons, this variant has been classified as Pathogenic.

Literature cited by the submitters: PubMed 24922459.